The following is an entry in ClinVar:

ClinVar aggregate classification (germline): Uncertain significance (1 of 4 stars; one submission).

Allele frequency attached by ClinVar (database versions not stated): gnomAD exomes below 0.00001 and 0.00001; TOPMed 0.00001; ExAC 0.00002.

Submission:

Labcorp Genetics (formerly Invitae), Labcorp
Classification: Uncertain significance. Last evaluated: 2021-05-03. Review status: criteria provided, single submitter. Criteria: Invitae Variant Classification Sherloc (09022015). Collection method: clinical testing. Allele origin: germline.
Comment: In summary, the available evidence is currently insufficient to determine the role of this variant in disease. Therefore, it has been classified as a Variant of Uncertain Significance. Algorithms developed to predict the effect of missense changes on protein structure and function are either unavailable or do not agree on the potential impact of this missense change (SIFT: "Deleterious"; PolyPhen-2: "Benign"; Align-GVGD: "Class C0"). This variant has not been reported in the literature in individuals with CCDC88A-related conditions. This variant is present in population databases (rs760540185, ExAC 0.004%). This sequence change replaces alanine with valine at codon 158 of the CCDC88A protein (p.Ala158Val). The alanine residue is moderately conserved and there is a small physicochemical difference between alanine and valine.

NM_001365480.1(CCDC88A):c.473C>T (p.Ala158Val)

Gene: CCDC88A (coiled-coil and HOOK domain protein 88A; minus strand). Cytogenetic location: 2p16.1.
Variant type: single nucleotide variant.
Coding change: c.473C>T on transcript NM_001365480.1 (MANE Select); coding-DNA position 473, C replaced by T.
Protein change: p.Ala158Val; replaces alanine 158 with valine.
Molecular consequence: missense variant.
Genome position (GRCh38, 1-based): chr2:55,363,963, G>A on the plus strand (C>T on the coding strand, the complement: CCDC88A is on the minus strand). VCF-style: chr2-55363963-G-A. GRCh37 (hg19) VCF-style: chr2-55591099-G-A.
Other names: c.473C>T, p.Ala158Val (NM_001135597.2, NM_001254943.2, NM_018084.5); short protein forms A158V.
Identifiers: ClinVar variation 1350851 (VCV001350851.8), dbSNP rs760540185, ClinGen allele CA1666377.